The following is an entry in ClinVar:

ClinVar aggregate classification (germline): Uncertain significance (1 of 4 stars; one submission).

Conditions:
Tuberous sclerosis 2 (TSC2). Identifiers: Orphanet 805, MedGen C1860707, MONDO:0013199, OMIM 613254.

Submission:

Labcorp Genetics (formerly Invitae), Labcorp
Classification: Uncertain significance for Tuberous sclerosis 2. Last evaluated: 2024-07-08. Review status: criteria provided, single submitter. Criteria: Invitae Variant Classification Sherloc (09022015). Collection method: clinical testing. Allele origin: germline.
Comment: This sequence change replaces glutamic acid, which is acidic and polar, with aspartic acid, which is acidic and polar, at codon 412 of the TSC2 protein (p.Glu412Asp). This variant is not present in population databases (gnomAD no frequency). This variant has not been reported in the literature in individuals affected with TSC2-related conditions. Advanced modeling of protein sequence and biophysical properties (such as structural, functional, and spatial information, amino acid conservation, physicochemical variation, residue mobility, and thermodynamic stability) performed at Invitae indicates that this missense variant is not expected to disrupt TSC2 protein function with a negative predictive value of 95%. In summary, the available evidence is currently insufficient to determine the role of this variant in disease. Therefore, it has been classified as a Variant of Uncertain Significance.

NM_000548.5(TSC2):c.1236G>C (p.Glu412Asp)

Gene: TSC2 (TSC complex subunit 2; plus strand). Cytogenetic location: 16p13.3.
Variant type: single nucleotide variant.
Coding change: c.1236G>C on transcript NM_000548.5 (MANE Select); coding-DNA position 1236, G replaced by C.
Protein change: p.Glu412Asp; replaces glutamic acid 412 with aspartic acid.
Molecular consequence: missense variant. On other transcripts: 5 prime UTR variant (10), non-coding transcript variant (5).
Genome position (GRCh38, 1-based): chr16:2,061,987, G>C. VCF-style: chr16-2061987-G-C. GRCh37 (hg19) VCF-style: chr16-2111988-G-C.
Other names: c.636G>C, p.Glu212Asp (NM_001406682.1, NM_001406683.1, NM_001406684.1 and 6 more transcripts); c.-109G>C (NM_001406689.1, NM_001406690.1, NM_001406691.1 and 4 more transcripts); c.1236G>C, p.Glu412Asp (NM_001077183.3, NM_001114382.3, NM_001363528.2 and 6 more transcripts); c.1125G>C, p.Glu375Asp (NM_001318827.2, NM_001406670.1, NM_001406678.1); c.1089G>C, p.Glu363Asp (NM_001318829.2, NM_001406675.1, NM_001406676.1 and 1 more transcripts); c.1269G>C, p.Glu423Asp (NM_001318832.2); c.1326G>C, p.Glu442Asp (NM_001406667.1, NM_001406668.1); c.1224G>C, p.Glu408Asp (NM_001406671.1, NM_001406673.1); and 4 more; short protein forms E258D, E363D, E442D, E393D, E212D, E408D, E412D, E375D.
Identifiers: ClinVar variation 3637186 (VCV003637186.2).